The following is an entry in ClinVar:

NM_000060.2:c.1334G>T

Gene: BTD (biotinidase; plus strand).
Variant type: single nucleotide variant.
Other names: c.1334G>T (NM_000060.2).
Identifiers: ClinVar variation 4216771 (VCV004216771.1).

ClinVar aggregate classification (germline): Pathogenic (1 of 4 stars; one submission).

Conditions:
Inborn genetic diseases. Identifiers: MedGen C0950123, MeSH D030342.

Submission:

Ambry Genetics
Classification: Pathogenic for Inborn genetic diseases. Last evaluated: 2025-08-05. Review status: criteria provided, single submitter. Criteria: Ambry Variant Classification Scheme 2023. Collection method: clinical testing. Allele origin: germline.
Comment: The c.1334G>T (p.G445V) alteration is located in exon 4 (coding exon 4) of the BTD gene. This alteration results from a G to T substitution at nucleotide position 1334, causing the glycine (G) at amino acid position 445 to be replaced by a valine (V). This variant was not reported in population-based cohorts in the Genome Aggregation Database (gnomAD). This variant has been identified in conjunction with other BTD variants in individuals who met clinical criteria for Biotinidase deficiency; in at least one instance, the variants were identified in trans (Pomponio, 1997; Wolf, 2005). In additional, another variant at the same codon, c.1333G>A, p.G445R has been identified in individual(s) with features consistent with Biotinidase deficiency (Ohlsson, 2010). This amino acid position is well conserved in available vertebrate species. This alteration is predicted to be deleterious by in silico analysis. Based on the available evidence, this alteration is classified as pathogenic.

Literature cited by the submitters: PubMed 9396567; PubMed 15776412; PubMed 20224900.